The following is an entry in ClinVar:

NM_178172.6(GPIHBP1):c.158_161del (p.Arg53fs)

Gene: GPIHBP1 (glycosylphosphatidylinositol anchored high density lipoprotein binding protein 1; plus strand). Cytogenetic location: 8q24.3.
Variant type: Deletion.
Coding change: c.158_161del on transcript NM_178172.6 (MANE Select); coding-DNA positions 158 to 161, 4 bases deleted (GGCT; older notation c.158_161delGGCT).
Protein change: p.Arg53fs; shifts the reading frame from arginine 53.
Molecular consequence: frameshift variant.
Genome position (GRCh38, 1-based): chr8:143,213,927-143,213,930, GGCT deleted. VCF-style (leftmost placement, unchanged base first): chr8-143213926-AGGCT-A. GRCh37 (hg19) VCF-style: chr8-144295801-AGGCT-A.
Other names: c.158_161del, p.Arg53fs (NM_001301772.2); short protein forms R53fs.
Identifiers: ClinVar variation 3653843 (VCV003653843.2).
Genomic context (GRCh38, chr8:143,213,926, plus strand): 5'-CACGGGCCAGATGACTACGACGAGGAAGATGAGGATGAGGTGGAAGAGGAGGAGACCAAC[AGGCT>A]CCCTGGTGGCAGGAGCAGAGGTATGGCCGCCCCAACCCCAGAGCCCTGCTGCCTGATCTG-3'

ClinVar aggregate classification (germline): Pathogenic (1 of 4 stars; one submission).

Submission:

Labcorp Genetics (formerly Invitae), Labcorp
Classification: Pathogenic. Last evaluated: 2024-05-19. Review status: criteria provided, single submitter. Criteria: Invitae Variant Classification Sherloc (09022015). Collection method: clinical testing. Allele origin: germline.
Comment: This sequence change creates a premature translational stop signal (p.Arg53Thrfs*26) in the GPIHBP1 gene. It is expected to result in an absent or disrupted protein product. Loss-of-function variants in GPIHBP1 are known to be pathogenic (PMID: 21816778, 22008945). This variant is not present in population databases (gnomAD no frequency). This variant has not been reported in the literature in individuals affected with GPIHBP1-related conditions. For these reasons, this variant has been classified as Pathogenic.

Literature cited by the submitters: PubMed 21816778; PubMed 22008945.